The following is an entry in ClinVar:

NM_016239.4(MYO15A):c.861C>G (p.Tyr287Ter)

Gene: MYO15A (myosin XVA; plus strand). Cytogenetic location: 17p11.2.
Variant type: single nucleotide variant.
Coding change: c.861C>G on transcript NM_016239.4 (MANE Select); coding-DNA position 861, C replaced by G.
Protein change: p.Tyr287Ter; replaces tyrosine 287 with a stop codon.
Molecular consequence: nonsense.
Genome position (GRCh38, 1-based): chr17:18,119,661, C>G. VCF-style: chr17-18119661-C-G. GRCh37 (hg19) VCF-style: chr17-18022975-C-G.
Other names: short protein forms Y287*.
Identifiers: ClinVar variation 3003635 (VCV003003635.4), dbSNP rs765195369, ClinGen allele CA398576207.

ClinVar aggregate classification (germline): Pathogenic/Likely pathogenic. Review status: criteria provided, multiple submitters, no conflicts (2 of 4 stars). 2 submissions from 2 submitters: Pathogenic (1); Likely pathogenic (1). Last evaluated 2025-09-26.

Conditions:
Autosomal recessive nonsyndromic hearing loss 3. Also called: NEUROSENSORY NONSYNDROMIC RECESSIVE DEAFNESS 3. Identifiers: Orphanet 90636, MedGen C1838263, MONDO:0010860, OMIM 600316.

Submissions (2):

Variantyx, Inc.
Classification: Likely pathogenic for Autosomal recessive nonsyndromic hearing loss 3. Last evaluated: 2025-09-26. Review status: criteria provided, single submitter. Criteria: Variantyx Assertion Criteria 2022. Collection method: clinical testing. Allele origin: germline. Inheritance: Autosomal recessive inheritance. Affected: no.
Comment: This is a nonsense variant in the MYO15A gene (OMIM: 602666). Pathogenic variants in this gene have been associated with autosomal recessive deafness 3. This variant introduces a premature termination codon in exon 2 out of 66 and is expected to result in loss of function, which is a known disease mechanism for MYO15A in this disorder (PVS1) (PMID:9603736;17851452). This variant has a 0.0018% maximum allele frequency in non-founder control populations (PM2). Based on the current evidence, this variant is classified as likely pathogenic for autosomal recessive deafness 3.

Labcorp Genetics (formerly Invitae), Labcorp
Classification: Pathogenic. Last evaluated: 2023-12-21. Review status: criteria provided, single submitter. Criteria: Invitae Variant Classification Sherloc (09022015). Collection method: clinical testing. Allele origin: germline.
Comment: This sequence change creates a premature translational stop signal (p.Tyr287*) in the MYO15A gene. It is expected to result in an absent or disrupted protein product. Loss-of-function variants in MYO15A are known to be pathogenic (PMID: 17546645). This variant is present in population databases (no rsID available, gnomAD 0.01%). This variant has not been reported in the literature in individuals affected with MYO15A-related conditions. For these reasons, this variant has been classified as Pathogenic.

Literature cited by the submitters: PubMed 9603736 (cited by Variantyx, Inc.); PubMed 17851452 (cited by Variantyx, Inc.); PubMed 17546645 (cited by Labcorp Genetics (formerly Invitae), Labcorp).